The following is an entry in ClinVar:

NM_014053.4(FLVCR1):c.287G>A (p.Ser96Asn)

Gene: FLVCR1 (FLVCR choline and heme transporter 1; plus strand). Cytogenetic location: 1q32.3.
Variant type: single nucleotide variant.
Coding change: c.287G>A on transcript NM_014053.4 (MANE Select); coding-DNA position 287, G replaced by A.
Protein change: p.Ser96Asn; replaces serine 96 with asparagine.
Molecular consequence: missense variant.
Genome position (GRCh38, 1-based): chr1:212,858,739, G>A. VCF-style: chr1-212858739-G-A. GRCh37 (hg19) VCF-style: chr1-213032081-G-A.
Other names: short protein forms S96N.
Identifiers: ClinVar variation 1942924 (VCV001942924.2), dbSNP rs1286212185, ClinGen allele CA344795743.

ClinVar aggregate classification (germline): Uncertain significance (1 of 4 stars; one submission).

Allele frequency attached by ClinVar (database versions not stated): gnomAD exomes below 0.00001; TOPMed 0.00002.
gnomAD v4.1: 3 of 1,611,936 alleles (0.00019%); highest among the groups gnomAD compares: East Asian, 0.0067%; no homozygotes.

Submission:

Labcorp Genetics (formerly Invitae), Labcorp
Classification: Uncertain significance. Last evaluated: 2022-02-10. Review status: criteria provided, single submitter. Criteria: Invitae Variant Classification Sherloc (09022015). Collection method: clinical testing. Allele origin: germline.
Comment: This sequence change replaces serine, which is neutral and polar, with asparagine, which is neutral and polar, at codon 96 of the FLVCR1 protein (p.Ser96Asn). This variant is present in population databases (no rsID available, gnomAD 0.01%). This variant has not been reported in the literature in individuals affected with FLVCR1-related conditions. Algorithms developed to predict the effect of missense changes on protein structure and function (SIFT, PolyPhen-2, Align-GVGD) all suggest that this variant is likely to be tolerated. In summary, the available evidence is currently insufficient to determine the role of this variant in disease. Therefore, it has been classified as a Variant of Uncertain Significance.